The following is an entry in ClinVar:

ClinVar aggregate classification (germline): Uncertain significance. Review status: criteria provided, multiple submitters, no conflicts (2 of 4 stars). 2 submissions from 2 submitters: Uncertain significance (2). Last evaluated 2025-10-13.

Conditions:
Idiopathic generalized epilepsy. Also called: EIG; Generalised epilepsy. Identifiers: MedGen C0270850, MONDO:0005579, OMIM 600669.
Inborn genetic diseases. Identifiers: MedGen C0950123, MeSH D030342.

Allele frequency attached by ClinVar (database versions not stated): ExAC 0.00002; gnomAD 0.00003 and 0.00004; gnomAD exomes 0.00003; TOPMed 0.00004.
gnomAD v4.1: 117 of 1,613,988 alleles (0.0072%); highest among the groups gnomAD compares: Non-Finnish European, 0.0095%; no homozygotes.

Submissions (2):

Labcorp Genetics (formerly Invitae), Labcorp
Classification: Uncertain significance for Idiopathic generalized epilepsy. Last evaluated: 2025-10-13. Review status: criteria provided, single submitter. Criteria: Invitae Variant Classification Sherloc (09022015). Collection method: clinical testing. Allele origin: germline.
Comment: This sequence change replaces glutamic acid, which is acidic and polar, with lysine, which is basic and polar, at codon 71 of the RBFOX1 protein (p.Glu71Lys). This variant is present in population databases (rs778034989, gnomAD 0.008%). This variant has not been reported in the literature in individuals affected with RBFOX1-related conditions. ClinVar contains an entry for this variant (Variation ID: 574205). Invitae Evidence Modeling of protein sequence and biophysical properties (such as structural, functional, and spatial information, amino acid conservation, physicochemical variation, residue mobility, and thermodynamic stability) indicates that this missense variant is not expected to disrupt RBFOX1 protein function with a negative predictive value of 80%. In summary, the available evidence is currently insufficient to determine the role of this variant in disease. Therefore, it has been classified as a Variant of Uncertain Significance.

Ambry Genetics
Classification: Uncertain significance for Inborn genetic diseases. Last evaluated: 2022-08-24. Review status: criteria provided, single submitter. Criteria: Ambry Variant Classification Scheme 2023. Collection method: clinical testing. Allele origin: germline.

NM_018723.4(RBFOX1):c.151G>A (p.Glu51Lys)

Gene: RBFOX1 (RNA binding fox-1 homolog 1; plus strand). Cytogenetic location: 16p13.3.
Variant type: single nucleotide variant.
Coding change: c.151G>A on transcript NM_018723.4 (MANE Select); coding-DNA position 151, G replaced by A.
Protein change: p.Glu51Lys; replaces glutamic acid 51 with lysine.
Molecular consequence: missense variant.
Genome position (GRCh38, 1-based): chr16:7,518,270, G>A. VCF-style: chr16-7518270-G-A. GRCh37 (hg19) VCF-style: chr16-7568272-G-A.
Other names: c.151G>A, p.Glu51Lys (NM_001142333.2, NM_001142334.2, NM_001364800.2); c.280G>A, p.Glu94Lys (NM_001308117.1); c.211G>A, p.Glu71Lys (NM_145891.3, NM_145892.3, NM_145893.3); short protein forms E71K, E51K, E94K.
Identifiers: ClinVar variation 574205 (VCV000574205.10), dbSNP rs778034989, ClinGen allele CA7891338.